The following is an entry in ClinVar:

ClinVar aggregate classification (germline): Uncertain significance. Review status: criteria provided, multiple submitters, no conflicts (2 of 4 stars). 3 submissions from 3 submitters: Uncertain significance (3). Last evaluated 2025-11-08.

Conditions:
Inborn genetic diseases. Identifiers: MedGen C0950123, MeSH D030342.

Allele frequency attached by ClinVar (database versions not stated): TOPMed below 0.00001.
gnomAD v4.1: 3 of 1,613,070 alleles (0.00019%); highest among the groups gnomAD compares: Middle Eastern, 0.033%; no homozygotes.

Submissions (3):

Ambry Genetics
Classification: Uncertain significance for Inborn genetic diseases. Last evaluated: 2025-11-08. Review status: criteria provided, single submitter. Criteria: Ambry Variant Classification Scheme 2023. Collection method: clinical testing. Allele origin: germline.

Labcorp Genetics (formerly Invitae), Labcorp
Classification: Uncertain significance. Last evaluated: 2022-07-05. Review status: criteria provided, single submitter. Criteria: Invitae Variant Classification Sherloc (09022015). Collection method: clinical testing. Allele origin: germline.
Comment: This sequence change replaces proline, which is neutral and non-polar, with leucine, which is neutral and non-polar, at codon 1367 of the USH2A protein (p.Pro1367Leu). This variant is not present in population databases (gnomAD no frequency). This variant has not been reported in the literature in individuals affected with USH2A-related conditions. Algorithms developed to predict the effect of missense changes on protein structure and function are either unavailable or do not agree on the potential impact of this missense change (SIFT: "Deleterious"; PolyPhen-2: "Possibly Damaging"; Align-GVGD: "Class C0"). In summary, the available evidence is currently insufficient to determine the role of this variant in disease. Therefore, it has been classified as a Variant of Uncertain Significance.

Blueprint Genetics
Classification: Uncertain significance. Last evaluated: 2022-05-20. Review status: criteria provided, single submitter. Criteria: ACMG Guidelines, 2015. Collection method: clinical testing. Allele origin: germline.

NM_206933.4(USH2A):c.4100C>T (p.Pro1367Leu)

Genes: USH2A (usherin; minus strand), USH2A-AS1 (USH2A antisense RNA 1; plus strand). Cytogenetic location: 1q41.
Variant type: single nucleotide variant.
Coding change: c.4100C>T on transcript NM_206933.4 (MANE Select); coding-DNA position 4100, C replaced by T.
Protein change: p.Pro1367Leu; replaces proline 1367 with leucine.
Molecular consequence: missense variant.
Genome position (GRCh38, 1-based): chr1:216,196,704, G>A on the plus strand (C>T on the coding strand, the complement: USH2A is on the minus strand). VCF-style: chr1-216196704-G-A. GRCh37 (hg19) VCF-style: chr1-216370046-G-A.
Other names: c.4100C>T (NM_206933.2); c.4100C>T, p.Pro1367Leu (NM_007123.6); short protein forms P1367L.
Identifiers: ClinVar variation 2170620 (VCV002170620.3), dbSNP rs2034854003, ClinGen allele CA344866701.